The following is an entry in ClinVar:

NM_006031.6(PCNT):c.1716A>T (p.Lys572Asn)

Gene: PCNT (pericentrin; plus strand). Cytogenetic location: 21q22.3.
Variant type: single nucleotide variant.
Coding change: c.1716A>T on transcript NM_006031.6 (MANE Select); coding-DNA position 1716, A replaced by T.
Protein change: p.Lys572Asn; replaces lysine 572 with asparagine.
Molecular consequence: missense variant.
Genome position (GRCh38, 1-based): chr21:46,354,023, A>T. VCF-style: chr21-46354023-A-T. GRCh37 (hg19) VCF-style: chr21-47773937-A-T.
Other names: c.1362A>T, p.Lys454Asn (NM_001315529.2); short protein forms K572N, K454N.
Identifiers: ClinVar variation 897233 (VCV000897233.30), dbSNP rs138617654, ClinGen allele CA10078714.

ClinVar aggregate classification (germline): Uncertain significance. Review status: criteria provided, multiple submitters, no conflicts (2 of 4 stars). 3 submissions from 3 submitters: Uncertain significance (3). Last evaluated 2026-03-18.

Conditions:
PCNT-related disorder. Also called: PCNT-related condition.
Microcephalic osteodysplastic primordial dwarfism type II (MOPD2). Also called: MOPD II; OSTEODYSPLASTIC PRIMORDIAL DWARFISM, TYPE II; Microcephalic osteodysplastic primordial dwarfism with tooth abnormalities. Identifiers: MedGen C0432246, MONDO:0008872, OMIM 210720, Orphanet 2637.

Allele frequency attached by ClinVar (database versions not stated): ESP Exome Variant Server 0.00015; TOPMed 0.00017.
gnomAD v4.1: 308 of 1,614,014 alleles (0.019%); highest among the groups gnomAD compares: Non-Finnish European, 0.026%; no homozygotes.

Submissions (3):

PreventionGenetics, part of Exact Sciences
Classification: Uncertain significance for PCNT-related condition. Last evaluated: 2026-03-18. Review status: criteria provided, single submitter. Criteria: ACMG Guidelines, 2015. Collection method: clinical testing. Allele origin: germline.
Comment: The PCNT c.1716A>T variant is predicted to result in the amino acid substitution p.Lys572Asn. To our knowledge, this variant has not been reported in the literature. This variant is reported in 0.029% of alleles in individuals of European (non-Finnish) descent in gnomAD. At this time, the clinical significance of this variant is uncertain due to the absence of conclusive functional and genetic evidence.

CeGaT Center for Human Genetics Tuebingen
Classification: Uncertain significance. Last evaluated: 2023-09-01. Review status: criteria provided, single submitter. Criteria: CeGaT Center For Human Genetics Tuebingen Variant Classification Criteria Version 2. Collection method: clinical testing. Allele origin: germline. Affected: yes. Observed: 1 variant allele.
Comment: PCNT: PM2, BP4

Illumina Laboratory Services, Illumina
Classification: Uncertain significance for Microcephalic osteodysplastic primordial dwarfism type II. Last evaluated: 2018-01-13. Review status: criteria provided, single submitter. Criteria: ICSL Variant Classification Criteria 13 December 2019. Collection method: clinical testing. Allele origin: germline.